The following is an entry in ClinVar:

ClinVar aggregate classification (germline): Conflicting classifications of pathogenicity. Review status: criteria provided, conflicting classifications (1 of 4 stars). 7 submissions from 7 submitters: Uncertain significance (3); Likely benign (3). 1 of the submissions does not count toward it. Last evaluated 2025-10-28.

Conditions:
Ehlers-Danlos syndrome (EDS). Identifiers: Orphanet 98249, MedGen C0013720, MONDO:0020066.
ADAMTS2-related disorder. Also called: ADAMTS2-related condition.
Ehlers-Danlos syndrome, dermatosparaxis type. Also called: Dermatosparaxis; Ehlers-Danlos syndrome, type VII, autosomal recessive; EDS VIIC. Identifiers: Orphanet 1901, MedGen C2700425, MONDO:0009161, OMIM 225410.

Submissions (7):

Women's Health and Genetics/Laboratory Corporation of America, LabCorp
Classification: Likely benign. Last evaluated: 2025-10-28. Review status: criteria provided, single submitter. Criteria: LabCorp Variant Classification Summary - May 2015. Collection method: clinical testing. Allele origin: germline.
Comment: Variant summary: ADAMTS2 c.77_79dupCGC (p.Pro26dup) results in an in-frame duplication that is predicted to duplicate one amino acid into the encoded protein. The variant allele was found at a frequency of 0.00065 in 1139720 control chromosomes, predominantly at a frequency of 0.0031 within the African or African-American subpopulation in the gnomAD database. The observed variant frequency within African or African-American control individuals in the gnomAD database exceeds the estimated maximal expected allele frequency for disease-causing variants in ADAMTS2. To our knowledge, no occurrence of c.77_79dupCGC in individuals affected with ADAMTS2-related conditions and no experimental evidence demonstrating its impact on protein function have been reported. ClinVar contains an entry for this variant (Variation ID: 537401). Based on the evidence outlined above, the variant was classified as likely benign.

PreventionGenetics, part of Exact Sciences
Classification: Likely benign for ADAMTS2-related condition. Last evaluated: 2025-06-16. Review status: criteria provided, single submitter. Criteria: ACMG Guidelines, 2015. Collection method: clinical testing. Allele origin: germline.
Comment: This variant is classified as likely benign based on ACMG/AMP sequence variant interpretation guidelines (Richards et al. 2015 PMID: 25741868, with internal and published modifications).

Labcorp Genetics (formerly Invitae), Labcorp
Classification: Uncertain significance for Ehlers-Danlos syndrome, dermatosparaxis type. Last evaluated: 2025-01-18. Review status: criteria provided, single submitter. Criteria: Invitae Variant Classification Sherloc (09022015). Collection method: clinical testing. Allele origin: germline.
Comment: This variant, c.77_79dup, results in the insertion of 1 amino acid(s) of the ADAMTS2 protein (p.Pro26dup), but otherwise preserves the integrity of the reading frame. The frequency data for this variant in the population databases is considered unreliable, as metrics indicate poor data quality at this position in the gnomAD database. This variant has not been reported in the literature in individuals affected with ADAMTS2-related conditions. ClinVar contains an entry for this variant (Variation ID: 537401). Experimental studies and prediction algorithms are not available or were not evaluated, and the functional significance of this variant is currently unknown. In summary, the available evidence is currently insufficient to determine the role of this variant in disease. Therefore, it has been classified as a Variant of Uncertain Significance.

Mayo Clinic Laboratories, Mayo Clinic
Classification: Likely benign. Last evaluated: 2025-01-10. Review status: criteria provided, single submitter. Criteria: ACMG Guidelines, 2015. Collection method: clinical testing. Allele origin: germline. Observed: 3 variant alleles.

Genome Diagnostics Laboratory, The Hospital for Sick Children
Classification: Uncertain significance for Ehlers-Danlos syndrome. Last evaluated: 2019-06-01. Review status: criteria provided, single submitter. Criteria: ACMG Guidelines, 2015. Collection method: clinical testing. Allele origin: germline.

Breakthrough Genomics
Classification: Uncertain significance. Review status: criteria provided, single submitter. Criteria: ACMG Guidelines, 2015. Collection method: not provided. Allele origin: germline. Inheritance: Autosomal recessive inheritance. Affected: yes.

Natera, Inc.
Classification: Likely benign for Ehlers-Danlos syndrome type VIIC. Last evaluated: 2020-04-20. Review status: no assertion criteria provided. Collection method: clinical testing. Allele origin: germline. Not counted in ClinVar's aggregate classification.

NM_014244.5(ADAMTS2):c.71CGC[4] (p.Pro26dup)

Gene: ADAMTS2 (ADAM metallopeptidase with thrombospondin type 1 motif 2; minus strand). Cytogenetic location: 5q35.3.
Variant type: Microsatellite.
Coding change: c.71CGC[4] on transcript NM_014244.5 (MANE Select); four copies in a row of the 3-base unit CGC starting at c.71; the reference has three copies in a row; one copy, 3 bases duplicated; also written c.77_79dup.
Protein change: p.Pro26dup; duplicates proline 26.
Molecular consequence: inframe insertion.
Genome position (GRCh38, 1-based): chr5:179,345,250-179,345,252, GCG duplicated on the plus strand (CGC on the coding strand, the reverse complement: ADAMTS2 is on the minus strand); duplicating any 3 consecutive bases within chr5:179,345,250-179,345,260 gives the same sequence; the position shown is the placement nearest the transcript's 3' end. VCF-style (leftmost placement, unchanged base first): chr5-179345249-A-AGCG. GRCh37 (hg19) VCF-style: chr5-178772250-A-AGCG.
Other names: p.Pro26dup; c.71CGC[4], p.Pro26dup (NM_021599.4); c.77_79dupCGC (NM_014244.5); c.77_79dup (NM_014244.5).
Identifiers: ClinVar variation 537401 (VCV000537401.17), dbSNP rs763392299, ClinGen allele CA3596391.